The following is an entry in ClinVar:

ClinVar aggregate classification (germline): Uncertain significance (1 of 4 stars; one submission).

Conditions:
Baller-Gerold syndrome (BGS). Also called: CRANIOSYNOSTOSIS WITH RADIAL DEFECTS. Identifiers: Orphanet 1225, MedGen C0265308, MONDO:0009039, OMIM 218600.

gnomAD v4.1: 2 of 1,610,226 alleles (0.00012%); highest among the groups gnomAD compares: Non-Finnish European, 0.00017%; no homozygotes.

Submission:

Labcorp Genetics (formerly Invitae), Labcorp
Classification: Uncertain significance for Baller-Gerold syndrome. Last evaluated: 2023-12-17. Review status: criteria provided, single submitter. Criteria: Invitae Variant Classification Sherloc (09022015). Collection method: clinical testing. Allele origin: germline.
Comment: This sequence change replaces proline, which is neutral and non-polar, with leucine, which is neutral and non-polar, at codon 272 of the RECQL4 protein (p.Pro272Leu). This variant is not present in population databases (gnomAD no frequency). This variant has not been reported in the literature in individuals affected with RECQL4-related conditions. ClinVar contains an entry for this variant (Variation ID: 1418863). Advanced modeling of protein sequence and biophysical properties (such as structural, functional, and spatial information, amino acid conservation, physicochemical variation, residue mobility, and thermodynamic stability) performed at Invitae indicates that this missense variant is not expected to disrupt RECQL4 protein function with a negative predictive value of 80%. In summary, the available evidence is currently insufficient to determine the role of this variant in disease. Therefore, it has been classified as a Variant of Uncertain Significance.

NM_004260.4(RECQL4):c.815C>T (p.Pro272Leu)

Gene: RECQL4 (RecQ like helicase 4; minus strand). Cytogenetic location: 8q24.3.
Variant type: single nucleotide variant.
Coding change: c.815C>T on transcript NM_004260.4 (MANE Select); coding-DNA position 815, C replaced by T.
Protein change: p.Pro272Leu; replaces proline 272 with leucine.
Molecular consequence: missense variant.
Genome position (GRCh38, 1-based): chr8:144,516,304, G>A on the plus strand (C>T on the coding strand, the complement: RECQL4 is on the minus strand). VCF-style: chr8-144516304-G-A. GRCh37 (hg19) VCF-style: chr8-145741688-G-A.
Other names: short protein forms P272L.
Identifiers: ClinVar variation 1418863 (VCV001418863.6), dbSNP rs771543750, ClinGen allele CA372689105.
Genomic context (GRCh38, chr8:144,516,304, plus strand): 5'-ACAGCCCCAGCCCCCTCCGATGGGGGTCCAGCTTGGCTGCTCTCCTGCTGGACCTGTGCG[G>A]GGCTCTCCCAGGGCTCCTCGTTCCATCTCCGCTTCTCGCCTCCACTGCTGCTGGGCTGGG-3'
Protein context (NP_004251.4, residues 262-282): RRWNEEPWES[Pro272Leu]AQVQQESSQA